The following is an entry in ClinVar:

ClinVar aggregate classification (germline): Uncertain significance (1 of 4 stars; one submission).

Conditions:
Cutis laxa, autosomal dominant 3 (ADCL3). Identifiers: Orphanet 90348, MedGen C4225268, MONDO:0014706, OMIM 616603.
Autosomal dominant spastic paraplegia type 9. Identifiers: MedGen C1832669, MONDO:0015091.
de Barsy syndrome. Also called: Cutis laxa-corneal clouding-oligophrenia syndrome. Identifiers: Orphanet 2962, MedGen C0268354, MONDO:0017569.

gnomAD v4.1: 1 of 1,614,064 alleles (0.000062%); no homozygotes.

Submission:

Labcorp Genetics (formerly Invitae), Labcorp
Classification: Uncertain significance for Autosomal dominant spastic paraplegia type 9; de Barsy syndrome; Cutis laxa, autosomal dominant 3. Last evaluated: 2025-04-13. Review status: criteria provided, single submitter. Criteria: Invitae Variant Classification Sherloc (09022015). Collection method: clinical testing. Allele origin: germline.
Comment: This sequence change replaces glutamic acid, which is acidic and polar, with glutamine, which is neutral and polar, at codon 412 of the ALDH18A1 protein (p.Glu412Gln). This variant is not present in population databases (gnomAD no frequency). This variant has not been reported in the literature in individuals affected with ALDH18A1-related conditions. Invitae Evidence Modeling of protein sequence and biophysical properties (such as structural, functional, and spatial information, amino acid conservation, physicochemical variation, residue mobility, and thermodynamic stability) indicates that this missense variant is not expected to disrupt ALDH18A1 protein function with a negative predictive value of 95%. In summary, the available evidence is currently insufficient to determine the role of this variant in disease. Therefore, it has been classified as a Variant of Uncertain Significance.

NM_002860.4(ALDH18A1):c.1234G>C (p.Glu412Gln)

Gene: ALDH18A1 (aldehyde dehydrogenase 18 family member A1; minus strand). Cytogenetic location: 10q24.1.
Variant type: single nucleotide variant.
Coding change: c.1234G>C on transcript NM_002860.4 (MANE Select); coding-DNA position 1234, G replaced by C.
Protein change: p.Glu412Gln; replaces glutamic acid 412 with glutamine.
Molecular consequence: missense variant.
Genome position (GRCh38, 1-based): chr10:95,625,374, C>G on the plus strand (G>C on the coding strand, the complement: ALDH18A1 is on the minus strand). VCF-style: chr10-95625374-C-G. GRCh37 (hg19) VCF-style: chr10-97385131-C-G.
Other names: c.1228G>C, p.Glu410Gln (NM_001017423.2, NM_001323415.2); c.901G>C, p.Glu301Gln (NM_001323412.2, NM_001323416.2); c.1234G>C, p.Glu412Gln (NM_001323413.2, NM_001323414.2); c.1129G>C, p.Glu377Gln (NM_001323417.2); c.895G>C, p.Glu299Gln (NM_001323418.2); c.598G>C, p.Glu200Gln (NM_001323419.2); short protein forms E299Q, E410Q, E200Q, E301Q, E377Q, E412Q.
Identifiers: ClinVar variation 4794968 (VCV004794968.1).